The following is an entry in ClinVar:

ClinVar aggregate classification (germline): Uncertain significance. Review status: criteria provided, multiple submitters, no conflicts (2 of 4 stars). 6 submissions from 6 submitters: Uncertain significance (6). Last evaluated 2026-01-21.

Conditions:
Hereditary cancer-predisposing syndrome. Also called: Hereditary Cancer Syndrome; Hereditary neoplastic syndrome; Neoplastic Syndromes, Hereditary; Tumor predisposition. Identifiers: Orphanet 140162, MedGen C0027672, MeSH D009386, MONDO:0015356.
Spermatogenic failure 28. Identifiers: MedGen C4748117, MONDO:0054732, OMIM 618086.
Premature ovarian failure 15. Identifiers: MedGen C4748170, MONDO:0054862, OMIM 618096.
Fanconi anemia (FA). Also called: Fanconi's anemia. Identifiers: Orphanet 84, MedGen C0015625, MeSH D005199, MONDO:0019391.

Allele frequency attached by ClinVar (database versions not stated): gnomAD exomes 0.00001 and 0.00006; ExAC 0.00007; ESP Exome Variant Server 0.00008; gnomAD 0.00015; TOPMed 0.00019; 1000 Genomes Project 30x 0.00047; 1000 Genomes Project 0.00060.
gnomAD v4.1: 44 of 1,613,860 alleles (0.0027%); highest among the groups gnomAD compares: African/African-American, 0.051%; no homozygotes.

Submissions (6):

Labcorp Genetics (formerly Invitae), Labcorp
Classification: Uncertain significance for Fanconi anemia. Last evaluated: 2026-01-21. Review status: criteria provided, single submitter. Criteria: Invitae Variant Classification Sherloc (09022015). Collection method: clinical testing. Allele origin: germline.
Comment: This sequence change replaces proline, which is neutral and non-polar, with threonine, which is neutral and polar, at codon 1762 of the FANCM protein (p.Pro1762Thr). This variant is present in population databases (rs376197752, gnomAD 0.05%). This variant has not been reported in the literature in individuals affected with FANCM-related conditions. ClinVar contains an entry for this variant (Variation ID: 435172). An algorithm developed to predict the effect of missense changes on protein structure and function (PolyPhen-2) suggests that this variant is likely to be tolerated. In summary, the available evidence is currently insufficient to determine the role of this variant in disease. Therefore, it has been classified as a Variant of Uncertain Significance.

GeneDx
Classification: Uncertain significance. Last evaluated: 2025-08-27. Review status: criteria provided, single submitter. Criteria: GeneDx Variant Classification Process June 2021. Collection method: clinical testing. Allele origin: germline. Affected: yes.
Comment: In silico analysis suggests that this missense variant does not alter protein structure/function; Has not been previously published as pathogenic or benign to our knowledge

Quest Diagnostics Nichols Institute San Juan Capistrano
Classification: Uncertain significance. Last evaluated: 2025-08-07. Review status: criteria provided, single submitter. Criteria: Quest Diagnostics criteria. Collection method: clinical testing. Allele origin: unknown.
Comment: The FANCM c.5284C>A (p.Pro1762Thr) variant has not been reported in individuals with FANCM-related conditions in the published literature. The frequency of this variant in the general population (Genome Aggregation Database) is uninformative in the assessment of its pathogenicity. Analysis of this variant using bioinformatics tools for the prediction of the effect of amino acid changes on protein structure and function yielded predictions that this variant is benign. Based on the available information, we are unable to determine the clinical significance of this variant.

Fulgent Genetics
Classification: Uncertain significance for Spermatogenic failure 28; Premature ovarian failure 15. Last evaluated: 2022-05-11. Review status: criteria provided, single submitter. Criteria: ACMG Guidelines, 2015. Collection method: clinical testing. Allele origin: unknown.

Sema4
Classification: Uncertain significance for Hereditary cancer-predisposing syndrome. Last evaluated: 2021-09-07. Review status: criteria provided, single submitter. Criteria: Sema4 Curation Guidelines. Collection method: curation. Allele origin: germline.
Comment: The FANCM c.5284C>A (p.P1762T) variant has not been reported in the literature to our knowledge. It was observed in 13/24964 chromosomes of the African/African American subpopulation in the Genome Aggregation Database (PMID: 32461654). The variant has been reported in ClinVar (Variation ID 435172). In silico tools suggest the impact of the variant on protein function is benign, though these predictions have not been confirmed by functional studies. The evidence is insufficient to meet ACMG/AMP criteria for classifying the variant as benign or pathogenic. Thus, the clinical significance of this variant is currently uncertain.

Genetic Services Laboratory, University of Chicago
Classification: Uncertain significance. Last evaluated: 2016-01-21. Review status: criteria provided, single submitter. Criteria: ACMG Guidelines, 2015. Collection method: clinical testing. Allele origin: germline. Affected: no.

NM_020937.4(FANCM):c.5284C>A (p.Pro1762Thr)

Gene: FANCM (FA complementation group M; plus strand). Cytogenetic location: 14q21.2.
Variant type: single nucleotide variant.
Coding change: c.5284C>A on transcript NM_020937.4 (MANE Select); coding-DNA position 5284, C replaced by A.
Protein change: p.Pro1762Thr; replaces proline 1762 with threonine.
Molecular consequence: missense variant.
Genome position (GRCh38, 1-based): chr14:45,189,306, C>A. VCF-style: chr14-45189306-C-A. GRCh37 (hg19) VCF-style: chr14-45658509-C-A.
Other names: c.5284C>A (LRG_502t1); c.5206C>A, p.Pro1736Thr (NM_001308133.2); short protein forms P1762T, P1736T.
Identifiers: ClinVar variation 435172 (VCV000435172.22), dbSNP rs376197752, ClinGen allele CA7169952.